The following is an entry in ClinVar:

NM_004380.3(CREBBP):c.458C>T (p.Pro153Leu)

Gene: CREBBP (CREB binding lysine acetyltransferase; minus strand). Cytogenetic location: 16p13.3.
Variant type: single nucleotide variant.
Coding change: c.458C>T on transcript NM_004380.3 (MANE Select); coding-DNA position 458, C replaced by T.
Protein change: p.Pro153Leu; replaces proline 153 with leucine.
Molecular consequence: missense variant.
Genome position (GRCh38, 1-based): chr16:3,850,637, G>A on the plus strand (C>T on the coding strand, the complement: CREBBP is on the minus strand). VCF-style: chr16-3850637-G-A. GRCh37 (hg19) VCF-style: chr16-3900638-G-A.
Other names: c.458C>T, p.Pro153Leu (NM_001079846.1); short protein forms P153L.
Identifiers: ClinVar variation 382751 (VCV000382751.24), dbSNP rs146538907, ClinGen allele CA7870670.
Genomic context (GRCh38, chr16:3,850,637, plus strand): 5'-GGTCCAGTCTGTGACGTGGCAGGGCTGCTAGTCGCCAGCCCCACTTGCTTTTGTGCTTGC[G>A]GATTCAGTGCTTGGGAGGCAGCGGGGGTGGGCCCAGAGGTGCTGGCTGCCTGTTTAGGCA-3'
Protein context (NP_004371.2, residues 143-163): PTPAASQALN[Pro153Leu]QAQKQVGLAT

ClinVar aggregate classification (germline): Benign/Likely benign. Review status: criteria provided, multiple submitters, no conflicts (2 of 4 stars). 8 submissions from 8 submitters: Benign (2); Likely benign (5). 1 of the submissions does not count toward it. Last evaluated 2026-03-01.

Conditions:
CREBBP-related disorder. Also called: CREBBP-related condition; CREBBP-related disorders.
Rubinstein-Taybi syndrome (RSTS). Identifiers: Orphanet 783, MedGen C0035934, MONDO:0019188.
Inborn genetic diseases. Identifiers: MedGen C0950123, MeSH D030342.

Allele frequency attached by ClinVar (database versions not stated): 1000 Genomes Project 30x 0.00016; 1000 Genomes Project 0.00020; TOPMed 0.00031; ExAC 0.00033; gnomAD exomes 0.00033 and 0.00051; gnomAD 0.00035 and 0.00038; ESP Exome Variant Server 0.00054.
gnomAD v4.1: 803 of 1,614,228 alleles (0.05%); highest among the groups gnomAD compares: Non-Finnish European, 0.058%; no homozygotes.

Submissions (8):

CeGaT Center for Human Genetics Tuebingen
Classification: Likely benign. Last evaluated: 2026-03-01. Review status: criteria provided, single submitter. Criteria: CeGaT Center For Human Genetics Tuebingen Variant Classification Criteria Version 2. Collection method: clinical testing. Allele origin: germline. Affected: yes. Observed: 1 variant allele.
Comment: CREBBP: PP2, BS1

Labcorp Genetics (formerly Invitae), Labcorp
Classification: Likely benign for Rubinstein-Taybi syndrome. Last evaluated: 2025-12-31. Review status: criteria provided, single submitter. Criteria: Invitae Variant Classification Sherloc (09022015). Collection method: clinical testing. Allele origin: germline.

Blueprint Genetics
Classification: Likely benign. Last evaluated: 2024-10-01. Review status: criteria provided, single submitter. Criteria: ACMG Guidelines, 2015. Collection method: clinical testing. Allele origin: germline.

Genetic Services Laboratory, University of Chicago
Classification: Likely benign. Last evaluated: 2021-07-22. Review status: criteria provided, single submitter. Criteria: ACMG Guidelines, 2015. Collection method: clinical testing. Allele origin: germline. Affected: no.

GeneDx
Classification: Benign. Last evaluated: 2020-01-09. Review status: criteria provided, single submitter. Criteria: GeneDx Variant Classification Process June 2021. Collection method: clinical testing. Allele origin: germline. Affected: yes.

Ambry Genetics
Classification: Benign for Inborn genetic diseases. Last evaluated: 2019-09-05. Review status: criteria provided, single submitter. Criteria: Ambry Variant Classification Scheme 2023. Collection method: clinical testing. Allele origin: germline.

Breakthrough Genomics
Classification: Likely benign. Review status: criteria provided, single submitter. Criteria: ACMG Guidelines, 2015. Collection method: not provided. Allele origin: germline. Inheritance: Autosomal dominant inheritance. Affected: yes.

PreventionGenetics, part of Exact Sciences
Classification: Likely benign for CREBBP-related condition. Last evaluated: 2021-05-24. Review status: no assertion criteria provided. Collection method: clinical testing. Allele origin: germline. Not counted in ClinVar's aggregate classification.
Comment: This variant is classified as likely benign based on ACMG/AMP sequence variant interpretation guidelines (Richards et al. 2015 PMID: 25741868, with internal and published modifications).